The following is an entry in ClinVar:

NM_006158.5(NEFL):c.1045-2A>G

Genes: NEFL (neurofilament light chain; minus strand), LOC126860330 (BRD4-independent group 4 enhancer GRCh37_chr8:24811677-24812876; plus strand). Cytogenetic location: 8p21.2.
Variant type: single nucleotide variant.
Coding change: c.1045-2A>G on transcript NM_006158.5 (MANE Select); the canonical splice acceptor site of the intron before coding-DNA position 1045, A replaced by G.
Molecular consequence: splice acceptor variant.
Genome position (GRCh38, 1-based): chr8:24,954,307, T>C on the plus strand (A>G on the coding strand, the complement: NEFL is on the minus strand). VCF-style: chr8-24954307-T-C. GRCh37 (hg19) VCF-style: chr8-24811821-T-C.
Identifiers: ClinVar variation 452499 (VCV000452499.2), dbSNP rs1554497433, ClinGen allele CA370621055.

ClinVar aggregate classification (germline): Uncertain significance (1 of 4 stars; one submission).

Allele frequency attached by ClinVar (database versions not stated): gnomAD exomes below 0.00001.
gnomAD v4.1: 1 of 1,609,884 alleles (0.000062%); highest among the groups gnomAD compares: Non-Finnish European, 0.000085%; no homozygotes.

Submission:

GeneDx
Classification: Uncertain significance. Last evaluated: 2018-04-19. Review status: criteria provided, single submitter. Criteria: GeneDx Variant Classification (06012015). Collection method: clinical testing. Allele origin: germline. Affected: yes.
Comment: A variant of uncertain significance has been identified in the NEFL gene. The c.1045-2A>G variant has not been published as a pathogenic variant, nor has it been reported as a benign variant to our knowledge. The c.1045-2A>G variant is not observed in large population cohorts (Lek et al., 2016). Several in-silico splice prediction models predict that c.1045-2A>G destroys the canonical splice acceptor site in intron 1, leading to abnormal gene splicing. However, in the absence of RNA/functional studies, the actual effect of this sequence change in this individual is unknown. Additionally, splice site variants have not been reported in the Human Gene Mutation Database in association with NEFL-related disorders (Stenson et al., 2014). Therefore, based on the currently available information, it is unclear whether this variant is a pathogenic variant or a rare benign variant.